The following is an entry in ClinVar:

NM_001031679.3(MSRB3):c.461C>T (p.Ser154Leu)

Gene: MSRB3 (methionine sulfoxide reductase B3; plus strand). Cytogenetic location: 12q14.3.
Variant type: single nucleotide variant.
Coding change: c.461C>T on transcript NM_001031679.3 (MANE Select); coding-DNA position 461, C replaced by T.
Protein change: p.Ser154Leu; replaces serine 154 with leucine.
Molecular consequence: missense variant.
Genome position (GRCh38, 1-based): chr12:65,463,225, C>T. VCF-style: chr12-65463225-C-T. GRCh37 (hg19) VCF-style: chr12-65857005-C-T.
Other names: c.461C>T, p.Ser154Leu (NM_001193460.2, NM_001193461.2); c.482C>T, p.Ser161Leu (NM_198080.4); short protein forms S161L, S154L.
Identifiers: ClinVar variation 1707253 (VCV001707253.3), dbSNP rs267603630, ClinGen allele CA238938927.

ClinVar aggregate classification (germline): Uncertain significance. Review status: criteria provided, multiple submitters, no conflicts (2 of 4 stars). 2 submissions from 2 submitters: Uncertain significance (2). Last evaluated 2024-08-27.

gnomAD v4.1: 1 of 1,614,200 alleles (0.000062%); highest among the groups gnomAD compares: Non-Finnish European, 0.000085%; no homozygotes.

Submissions (2):

Blueprint Genetics
Classification: Uncertain significance. Last evaluated: 2024-08-27. Review status: criteria provided, single submitter. Criteria: ACMG Guidelines, 2015. Collection method: clinical testing. Allele origin: germline.

GeneDx
Classification: Uncertain significance. Last evaluated: 2022-03-22. Review status: criteria provided, single submitter. Criteria: GeneDx Variant Classification Process June 2021. Collection method: clinical testing. Allele origin: germline. Affected: yes.
Comment: Not observed at significant frequency in large population cohorts (gnomAD); In silico analysis supports that this missense variant has a deleterious effect on protein structure/function; Has not been previously published as pathogenic or benign to our knowledge